The following is an entry in ClinVar:

NM_014714.4(IFT140):c.2544C>G (p.Arg848=)

Gene: IFT140 (intraflagellar transport 140; minus strand). Cytogenetic location: 16p13.3.
Variant type: single nucleotide variant.
Coding change: c.2544C>G on transcript NM_014714.4 (MANE Select); coding-DNA position 2544, C replaced by G.
Protein change: p.Arg848=; no amino-acid change (arginine 848 retained).
Molecular consequence: synonymous variant.
Genome position (GRCh38, 1-based): chr16:1,526,652, G>C on the plus strand (C>G on the coding strand, the complement: IFT140 is on the minus strand). VCF-style: chr16-1526652-G-C. GRCh37 (hg19) VCF-style: chr16-1576653-G-C.
Identifiers: ClinVar variation 4983528 (VCV004983528.1).

ClinVar aggregate classification (germline): Likely benign (1 of 4 stars; one submission).

Conditions:
IFT140-related disorder. Also called: IFT140-related condition.

Submission:

PreventionGenetics, part of Exact Sciences
Classification: Likely benign for IFT140-related condition. Last evaluated: 2024-10-22. Review status: criteria provided, single submitter. Criteria: ACMG Guidelines, 2015. Collection method: clinical testing. Allele origin: germline.
Comment: This variant is classified as likely benign based on ACMG/AMP sequence variant interpretation guidelines (Richards et al. 2015 PMID: 25741868, with internal and published modifications).